The following is an entry in ClinVar:

ClinVar aggregate classification (germline): Pathogenic (1 of 4 stars; one submission).

Conditions:
Hereditary cancer-predisposing syndrome. Also called: Hereditary Cancer Syndrome; Neoplastic Syndromes, Hereditary; Tumor predisposition; Hereditary neoplastic syndrome. Identifiers: Orphanet 140162, MedGen C0027672, MeSH D009386, MONDO:0015356.

Submission:

Ambry Genetics
Classification: Pathogenic for Hereditary cancer-predisposing syndrome. Last evaluated: 2021-09-02. Review status: criteria provided, single submitter. Criteria: Ambry Variant Classification Scheme 2023. Collection method: clinical testing. Allele origin: germline.
Comment: The c.5217_5219delTTT pathogenic mutation, located in coding exon 10 of the BRCA2 gene, results from a deletion of three nucleotides at nucleotide positions 5217 to 5219, causing a translational frameshift with a predicted alternate stop codon (p.Y1739*). This alteration is expected to result in loss of function by premature protein truncation or nonsense-mediatedmRNAdecay.As such, this alteration is interpreted as a disease-causing mutation.

NM_000059.4(BRCA2):c.5217_5219del (p.Tyr1739_Leu1740delinsTer)

Gene: BRCA2 (BRCA2 DNA repair associated; plus strand). Cytogenetic location: 13q13.1.
Variant type: Deletion.
Coding change: c.5217_5219del on transcript NM_000059.4 (MANE Select); coding-DNA positions 5217 to 5219, 3 bases deleted (TTT; older notation c.5217_5219delTTT).
Protein change: p.Tyr1739_Leu1740delinsTer.
Molecular consequence: nonsense.
Genome position (GRCh38, 1-based): chr13:32,339,572-32,339,574, TTT deleted. VCF-style (leftmost placement, unchanged base first): chr13-32339571-ATTT-A. GRCh37 (hg19) VCF-style: chr13-32913708-ATTT-A.
Other names: c.5217_5219delTTT, p.Tyr1739_His2074delinsTer (NM_001406719.1, NM_001406720.1).
Identifiers: ClinVar variation 1746133 (VCV001746133.2), dbSNP rs2548530247, ClinGen allele CA2580087356.